The following is an entry in ClinVar:

NM_006180.6(NTRK2):c.453A>G (p.Thr151=)

Gene: NTRK2 (neurotrophic receptor tyrosine kinase 2; plus strand). Cytogenetic location: 9q21.33.
Variant type: single nucleotide variant.
Coding change: c.453A>G on transcript NM_006180.6 (MANE Select); coding-DNA position 453, A replaced by G.
Protein change: p.Thr151=; no amino-acid change (threonine 151 retained).
Molecular consequence: synonymous variant. On other transcripts: 5 prime UTR variant (5).
Genome position (GRCh38, 1-based): chr9:84,710,661, A>G. VCF-style: chr9-84710661-A-G. GRCh37 (hg19) VCF-style: chr9-87325576-A-G.
Other names: c.453A>G, p.Thr151= (NM_001369533.1, NM_001369534.1, NM_001369537.1 and 18 more transcripts); c.-16A>G (NM_001369535.1, NM_001369536.1, NM_001369550.1 and 2 more transcripts); c.453A>G (NM_006180.4).
Identifiers: ClinVar variation 1529722 (VCV001529722.10), dbSNP rs371381061, ClinGen allele CA5105511.
Genomic context (GRCh38, chr9:84,710,661, plus strand): 5'-AGGAACTTGATCTGTTGTCATTTTTGTTCCCTGTAGGATCCTGGTGGGCAATCCATTTAC[A>G]TGCTCCTGTGACATTATGTGGATCAAGACTCTCCAAGAGGCTAAATCCAGTCCAGACACT-3'
Protein context (NP_006171.2, residues 141-161): SELILVGNPF[Thr151=]CSCDIMWIKT

ClinVar aggregate classification (germline): Likely benign. Review status: criteria provided, single submitter (1 of 4 stars). 2 submissions from 2 submitters: Likely benign (1). 1 of the submissions does not count toward it. Last evaluated 2024-05-15.

Conditions:
NTRK2-related disorder. Also called: NTRK2-related condition.

Allele frequency attached by ClinVar (database versions not stated): ExAC 0.00001; gnomAD exomes 0.00001; TOPMed 0.00005; gnomAD 0.00008.
gnomAD v4.1: 15 of 1,614,150 alleles (0.00093%); highest among the groups gnomAD compares: African/African-American, 0.017%; no homozygotes.

Submissions (2):

Labcorp Genetics (formerly Invitae), Labcorp
Classification: Likely benign. Last evaluated: 2024-05-15. Review status: criteria provided, single submitter. Criteria: Invitae Variant Classification Sherloc (09022015). Collection method: clinical testing. Allele origin: germline.

PreventionGenetics, part of Exact Sciences
Classification: Likely benign for NTRK2-related condition. Last evaluated: 2023-06-30. Review status: no assertion criteria provided. Collection method: clinical testing. Allele origin: germline. Not counted in ClinVar's aggregate classification.
Comment: This variant is classified as likely benign based on ACMG/AMP sequence variant interpretation guidelines (Richards et al. 2015 PMID: 25741868, with internal and published modifications).